The following is an entry in ClinVar:

NM_001042517.2(DIAPH3):c.2737+15A>G

Gene: DIAPH3 (diaphanous related formin 3; minus strand). Cytogenetic location: 13q21.2.
Variant type: single nucleotide variant.
Coding change: c.2737+15A>G on transcript NM_001042517.2 (MANE Select); 15 bases into the intron after coding-DNA position 2737, A replaced by G.
Molecular consequence: intron variant. On other transcripts: missense variant (1).
Genome position (GRCh38, 1-based): chr13:59,861,392, T>C on the plus strand (A>G on the coding strand, the complement: DIAPH3 is on the minus strand). VCF-style: chr13-59861392-T-C. GRCh37 (hg19) VCF-style: chr13-60435526-T-C.
Other names: c.1963A>G, p.Lys655Glu (NM_001258370.2); c.2527+15A>G (NM_001258368.2); c.2599+15A>G (NM_001258367.2); c.2704+15A>G (NM_001258366.2); c.2737+15A>G (NM_001258369.2); c.1948+15A>G (NM_030932.4); short protein forms K655E.
Identifiers: ClinVar variation 508093 (VCV000508093.10), dbSNP rs61956736, ClinGen allele CA6996312.

ClinVar aggregate classification (germline): Benign. Review status: criteria provided, multiple submitters, no conflicts (2 of 4 stars). 3 submissions from 3 submitters: Benign (3). Last evaluated 2026-02-01.

Allele frequency attached by ClinVar (database versions not stated): 1000 Genomes Project 30x 0.01312; 1000 Genomes Project 0.01318; gnomAD 0.02113 and 0.02116; TOPMed 0.02144; ExAC 0.02220; gnomAD exomes 0.02262 and 0.02925; ESP Exome Variant Server 0.02326.
gnomAD v4.1: 45,947 of 1,613,622 alleles (2.8%); highest among the groups gnomAD compares: Middle Eastern, 5.1%; 774 homozygotes.

Submissions (3):

Labcorp Genetics (formerly Invitae), Labcorp
Classification: Benign. Last evaluated: 2026-02-01. Review status: criteria provided, single submitter. Criteria: Invitae Variant Classification Sherloc (09022015). Collection method: clinical testing. Allele origin: germline.

GeneDx
Classification: Benign. Last evaluated: 2017-06-06. Review status: criteria provided, single submitter. Criteria: GeneDx Variant Classification (06012015). Collection method: clinical testing. Allele origin: germline. Affected: yes.
Comment: This variant is considered likely benign or benign based on one or more of the following criteria: it is a conservative change, it occurs at a poorly conserved position in the protein, it is predicted to be benign by multiple in silico algorithms, and/or has population frequency not consistent with disease.

Breakthrough Genomics
Classification: Benign. Review status: criteria provided, single submitter. Criteria: ACMG Guidelines, 2015. Collection method: not provided. Allele origin: germline. Inheritance: Autosomal dominant inheritance. Affected: yes.